The following is an entry in ClinVar:

ClinVar aggregate classification (germline): Pathogenic (1 of 4 stars; one submission).

Conditions:
Deficiency of malonyl-CoA decarboxylase. Also called: Malonic aciduria; MCD deficiency. Identifiers: Orphanet 943, MedGen C0342793, MONDO:0009556, OMIM 248360.

Allele frequency attached by ClinVar (database versions not stated): gnomAD exomes below 0.00001.

Submission:

Labcorp Genetics (formerly Invitae), Labcorp
Classification: Pathogenic for Deficiency of malonyl-CoA decarboxylase. Last evaluated: 2022-07-01. Review status: criteria provided, single submitter. Criteria: Invitae Variant Classification Sherloc (09022015). Collection method: clinical testing. Allele origin: germline.
Comment: For these reasons, this variant has been classified as Pathogenic. This variant has not been reported in the literature in individuals affected with MLYCD-related conditions. This variant is not present in population databases (gnomAD no frequency). This sequence change creates a premature translational stop signal (p.Glu171Glyfs*8) in the MLYCD gene. It is expected to result in an absent or disrupted protein product. Loss-of-function variants in MLYCD are known to be pathogenic (PMID: 12955715, 17186413).

Literature cited by the submitters: PubMed 12955715; PubMed 17186413.

NM_012213.3(MLYCD):c.512del (p.Glu171fs)

Genes: MLYCD (malonyl-CoA decarboxylase; plus strand), LOC130059555 (ATAC-STARR-seq lymphoblastoid silent region 7770; plus strand). Cytogenetic location: 16q23.3.
Variant type: Deletion.
Coding change: c.512del on transcript NM_012213.3 (MANE Select); coding-DNA position 512, one base deleted (A; older notation c.512delA).
Protein change: p.Glu171fs; shifts the reading frame from glutamic acid 171.
Molecular consequence: frameshift variant.
Genome position (GRCh38, 1-based): chr16:83,899,656, A deleted. VCF-style (leftmost placement, unchanged base first): chr16-83899655-GA-G. GRCh37 (hg19) VCF-style: chr16-83933260-GA-G.
Other names: short protein forms E171fs.
Identifiers: ClinVar variation 1962527 (VCV001962527.5), dbSNP rs2507371773, ClinGen allele CA2580092178.